The following is an entry in ClinVar:

ClinVar aggregate classification (germline): Uncertain significance (1 of 4 stars; one submission).

gnomAD v4.1: 1 of 1,614,188 alleles (0.000062%); highest among the groups gnomAD compares: Non-Finnish European, 0.000085%; no homozygotes.

Submission:

GeneDx
Classification: Uncertain significance. Last evaluated: 2026-03-23. Review status: criteria provided, single submitter. Criteria: GeneDx Variant Classification Process June 2021. Collection method: clinical testing. Allele origin: germline.
Comment: Not observed at significant frequency in large population cohorts (gnomAD); In silico analysis suggests that this missense variant does not alter protein structure/function; Has not been previously published as pathogenic or benign to our knowledge

NM_001378418.1(TCF20):c.3518A>G (p.Lys1173Arg)

Gene: TCF20 (transcription factor 20; minus strand). Cytogenetic location: 22q13.2.
Variant type: single nucleotide variant.
Coding change: c.3518A>G on transcript NM_001378418.1 (MANE Select); coding-DNA position 3518, A replaced by G.
Protein change: p.Lys1173Arg; replaces lysine 1173 with arginine.
Molecular consequence: missense variant.
Genome position (GRCh38, 1-based): chr22:42,211,788, T>C on the plus strand (A>G on the coding strand, the complement: TCF20 is on the minus strand). VCF-style: chr22-42211788-T-C. GRCh37 (hg19) VCF-style: chr22-42607794-T-C.
Other names: c.3518A>G, p.Lys1173Arg (NM_005650.4, NM_181492.3); short protein forms K1173R.
Identifiers: ClinVar variation 5017272 (VCV005017272.1).